The following is an entry in ClinVar:

ClinVar aggregate classification (germline): Conflicting classifications of pathogenicity. Review status: criteria provided, conflicting classifications (1 of 4 stars). 5 submissions from 5 submitters: Uncertain significance (1); Likely benign (4). Last evaluated 2025-10-12.

Conditions:
Developmental and epileptic encephalopathy, 12 (DEE12). Identifiers: MedGen C3150988, MONDO:0013389, OMIM 613722.

Allele frequency attached by ClinVar (database versions not stated): gnomAD 0.00002; TOPMed 0.00003; gnomAD exomes 0.00007; ESP Exome Variant Server 0.00008; ExAC 0.00011.

Submissions (5):

Labcorp Genetics (formerly Invitae), Labcorp
Classification: Likely benign for Developmental and epileptic encephalopathy, 12. Last evaluated: 2025-10-12. Review status: criteria provided, single submitter. Criteria: Invitae Variant Classification Sherloc (09022015). Collection method: clinical testing. Allele origin: germline.

CeGaT Center for Human Genetics Tuebingen
Classification: Likely benign. Last evaluated: 2024-06-01. Review status: criteria provided, single submitter. Criteria: CeGaT Center For Human Genetics Tuebingen Variant Classification Criteria Version 2. Collection method: clinical testing. Allele origin: germline. Affected: yes. Observed: 3 variant alleles.
Comment: PNKP: BP4

Blueprint Genetics
Classification: Likely benign. Last evaluated: 2024-05-23. Review status: criteria provided, single submitter. Criteria: ACMG Guidelines, 2015. Collection method: clinical testing. Allele origin: germline.

GeneDx
Classification: Likely benign. Last evaluated: 2016-02-09. Review status: criteria provided, single submitter. Criteria: GeneDx Variant Classification (06012015). Collection method: clinical testing. Allele origin: germline. Affected: yes.
Comment: This variant is considered likely benign or benign based on one or more of the following criteria: it is a conservative change, it occurs at a poorly conserved position in the protein, it is predicted to be benign by multiple in silico algorithms, and/or has population frequency not consistent with disease.

Eurofins Ntd Llc (ga)
Classification: Uncertain significance. Last evaluated: 2013-02-07. Review status: criteria provided, single submitter. Criteria: EGL Classification Definitions 2015. Collection method: clinical testing. Allele origin: germline. Observed: 1 variant allele, 1 heterozygote.

NM_007254.4(PNKP):c.1030-5C>T

Gene: PNKP (polynucleotide kinase 3'-phosphatase; minus strand). Cytogenetic location: 19q13.33.
Variant type: single nucleotide variant.
Coding change: c.1030-5C>T on transcript NM_007254.4 (MANE Select); 5 bases into the intron before coding-DNA position 1030, C replaced by T.
Molecular consequence: intron variant.
Genome position (GRCh38, 1-based): chr19:49,862,286, G>A on the plus strand (C>T on the coding strand, the complement: PNKP is on the minus strand). VCF-style: chr19-49862286-G-A. GRCh37 (hg19) VCF-style: chr19-50365543-G-A.
Identifiers: ClinVar variation 95475 (VCV000095475.39), dbSNP rs374745816, ClinGen allele CA223007.